The following is an entry in ClinVar:

ClinVar aggregate classification (germline): Pathogenic (1 of 4 stars; one submission).

Submission:

GeneDx
Classification: Pathogenic. Last evaluated: 2016-12-09. Review status: criteria provided, single submitter. Criteria: GeneDx Variant Classification (06012015). Collection method: clinical testing. Allele origin: germline. Affected: yes.
Comment: The Q124X variant in the EBF3 gene has not been reported previously as a pathogenic variant nor as a benign variant, to our knowledge. This variant is predicted to cause loss of normal protein function either through protein truncation or nonsense-mediated mRNA decay. The Q124X variant was not observed in approximately 6500 individuals of European and African American ancestry in the NHLBI Exome Sequencing Project, indicating it is not a common benign variant in these populations. We interpret Q124X as a pathogenic variant.

NM_001375380.1(EBF3):c.370C>T (p.Gln124Ter)

Gene: EBF3 (EBF transcription factor 3; minus strand). Cytogenetic location: 10q26.3.
Variant type: single nucleotide variant.
Coding change: c.370C>T on transcript NM_001375380.1 (MANE Select); coding-DNA position 370, C replaced by T.
Protein change: p.Gln124Ter; replaces glutamine 124 with a stop codon.
Molecular consequence: nonsense.
Genome position (GRCh38, 1-based): chr10:129,962,212, G>A on the plus strand (C>T on the coding strand, the complement: EBF3 is on the minus strand). VCF-style: chr10-129962212-G-A. GRCh37 (hg19) VCF-style: chr10-131760476-G-A.
Other names: c.370C>T, p.Gln124Ter (NM_001005463.3, NM_001375379.1, NM_001375389.1 and 3 more transcripts); short protein forms Q124*.
Identifiers: ClinVar variation 391200 (VCV000391200.2), dbSNP rs1057524002, ClinGen allele CA16606641.